The following is an entry in ClinVar:

NM_000038.6(APC):c.5990G>C (p.Gly1997Ala)

Gene: APC (APC regulator of Wnt signaling pathway; plus strand). Cytogenetic location: 5q22.2.
Variant type: single nucleotide variant.
Coding change: c.5990G>C on transcript NM_000038.6 (MANE Select); coding-DNA position 5990, G replaced by C.
Protein change: p.Gly1997Ala; replaces glycine 1997 with alanine.
Molecular consequence: missense variant.
Genome position (GRCh38, 1-based): chr5:112,841,584, G>C. VCF-style: chr5-112841584-G-C. GRCh37 (hg19) VCF-style: chr5-112177281-G-C.
Other names: c.5990G>C, p.Gly1997Ala (NM_001127510.3, NM_001354895.2); c.5936G>C, p.Gly1979Ala (NM_001127511.3); c.6044G>C, p.Gly2015Ala (NM_001354896.2); c.6020G>C, p.Gly2007Ala (NM_001354897.2); c.5915G>C, p.Gly1972Ala (NM_001354898.2); c.5906G>C, p.Gly1969Ala (NM_001354899.2); c.5867G>C, p.Gly1956Ala (NM_001354900.2); c.5813G>C, p.Gly1938Ala (NM_001354901.2); and 5 more; short protein forms G1979A, G1997A, G1906A, G1969A, G1714A, G1837A, G1938A, G2015A.
Identifiers: ClinVar variation 581477 (VCV000581477.17), dbSNP rs771811726, ClinGen allele CA16034443.

ClinVar aggregate classification (germline): Uncertain significance. Review status: criteria provided, multiple submitters, no conflicts (2 of 4 stars). 4 submissions from 4 submitters: Uncertain significance (4). Last evaluated 2025-12-18.

Conditions:
Hereditary cancer-predisposing syndrome. Also called: Neoplastic Syndromes, Hereditary; Tumor predisposition; Hereditary neoplastic syndrome; Hereditary Cancer Syndrome. Identifiers: Orphanet 140162, MedGen C0027672, MeSH D009386, MONDO:0015356.
Familial adenomatous polyposis 1 (FAP1). Also called: FAMILIAL ADENOMATOUS POLYPOSIS 1, ATTENUATED; POLYPOSIS, ADENOMATOUS INTESTINAL. Identifiers: MedGen C2713442, MONDO:0021056, OMIM 175100. Disease mechanism: loss of function.

Allele frequency attached by ClinVar (database versions not stated): TOPMed below 0.00001.

Submissions (4):

Labcorp Genetics (formerly Invitae), Labcorp
Classification: Uncertain significance for Familial adenomatous polyposis 1. Last evaluated: 2025-12-18. Review status: criteria provided, single submitter. Criteria: Invitae Variant Classification Sherloc (09022015). Collection method: clinical testing. Allele origin: germline.
Comment: This sequence change replaces glycine, which is neutral and non-polar, with alanine, which is neutral and non-polar, at codon 1997 of the APC protein (p.Gly1997Ala). This variant is not present in population databases (gnomAD no frequency). This variant has not been reported in the literature in individuals affected with APC-related conditions. ClinVar contains an entry for this variant (Variation ID: 581477). Invitae Evidence Modeling of protein sequence and biophysical properties (such as structural, functional, and spatial information, amino acid conservation, physicochemical variation, residue mobility, and thermodynamic stability) indicates that this missense variant is not expected to disrupt APC protein function with a negative predictive value of 95%. In summary, the available evidence is currently insufficient to determine the role of this variant in disease. Therefore, it has been classified as a Variant of Uncertain Significance.

Ambry Genetics
Classification: Uncertain significance for Hereditary cancer-predisposing syndrome. Last evaluated: 2024-05-02. Review status: criteria provided, single submitter. Criteria: Ambry Variant Classification Scheme 2023. Collection method: clinical testing. Allele origin: germline.
Comment: The p.G1997A variant (also known as c.5990G>C), located in coding exon 15 of the APC gene, results from a G to C substitution at nucleotide position 5990. The glycine at codon 1997 is replaced by alanine, an amino acid with similar properties. This amino acid position is not well conserved in available vertebrate species. In addition, in silico predictors for this gene do not accurately predict pathogenicity. Since supporting evidence is limited at this time, the clinical significance of this alteration remains unclear.

GeneDx
Classification: Uncertain significance. Last evaluated: 2022-12-12. Review status: criteria provided, single submitter. Criteria: GeneDx Variant Classification Process June 2021. Collection method: clinical testing. Allele origin: germline. Affected: yes.
Comment: Not observed at significant frequency in large population cohorts (gnomAD); In silico analysis supports that this missense variant does not alter protein structure/function; Observed in an individual with breast cancer (Chen et al., 2020); This variant is associated with the following publications: (PMID: 32091409, 18199528)

Color Diagnostics, LLC DBA Color Health
Classification: Uncertain significance for Hereditary cancer-predisposing syndrome. Last evaluated: 2019-02-05. Review status: criteria provided, single submitter. Criteria: ACMG Guidelines, 2015. Collection method: clinical testing. Allele origin: germline.